The following is an entry in ClinVar:

NM_006245.4(PPP2R5D):c.1213C>T (p.Arg405Cys)

Gene: PPP2R5D (protein phosphatase 2 regulatory subunit B'delta; plus strand). Cytogenetic location: 6p21.1.
Variant type: single nucleotide variant.
Coding change: c.1213C>T on transcript NM_006245.4 (MANE Select); coding-DNA position 1213, C replaced by T.
Protein change: p.Arg405Cys; replaces arginine 405 with cysteine.
Molecular consequence: missense variant.
Genome position (GRCh38, 1-based): chr6:43,009,189, C>T. VCF-style: chr6-43009189-C-T. GRCh37 (hg19) VCF-style: chr6-42976927-C-T.
Other names: c.760C>T, p.Arg254Cys (NM_001270476.2); c.1117C>T, p.Arg373Cys (NM_180976.3); c.895C>T, p.Arg299Cys (NM_180977.3); short protein forms R299C, R373C, R254C, R405C.
Identifiers: ClinVar variation 1478456 (VCV001478456.8), dbSNP rs2150281277, ClinGen allele CA364193985.

ClinVar aggregate classification (germline): Uncertain significance (1 of 4 stars; one submission).

Submission:

Labcorp Genetics (formerly Invitae), Labcorp
Classification: Uncertain significance. Last evaluated: 2024-04-22. Review status: criteria provided, single submitter. Criteria: Invitae Variant Classification Sherloc (09022015). Collection method: clinical testing. Allele origin: germline.
Comment: This sequence change replaces arginine, which is basic and polar, with cysteine, which is neutral and slightly polar, at codon 405 of the PPP2R5D protein (p.Arg405Cys). This variant is not present in population databases (gnomAD no frequency). This variant has not been reported in the literature in individuals affected with PPP2R5D-related conditions. ClinVar contains an entry for this variant (Variation ID: 1478456). An algorithm developed to predict the effect of missense changes on protein structure and function (PolyPhen-2) suggests that this variant is likely to be disruptive. In summary, the available evidence is currently insufficient to determine the role of this variant in disease. Therefore, it has been classified as a Variant of Uncertain Significance.